The following is an entry in ClinVar:

ClinVar aggregate classification (germline): Uncertain significance (1 of 4 stars; one submission).

Conditions:
Cardiomyopathy (CMYO). Also called: Cardiomyopathies. Identifiers: Orphanet 167848, MedGen C0878544, MONDO:0004994, HP:0001638. Inheritance: Various modes of inheritance.

Submission:

Color Diagnostics, LLC DBA Color Health
Classification: Uncertain significance for Cardiomyopathy. Last evaluated: 2019-08-27. Review status: criteria provided, single submitter. Criteria: ACMG Guidelines, 2015. Collection method: clinical testing. Allele origin: germline.
Comment: This variant deletes a single amino acid in the TNNI3 protein. Splice site prediction tools suggest that this variant may not impact RNA splicing. To our knowledge, functional studies have not been performed for this variant. This variant has not been reported in individuals affected with cardiovascular disorders in the literature. This variant has not been identified in the general population by the Genome Aggregation Database (gnomAD). The available evidence is insufficient to determine the role of this variant in disease conclusively. Therefore, this variant is classified as a Variant of Uncertain Significance.

NM_000363.5(TNNI3):c.67TCC[1] (p.Ser24del)

Gene: TNNI3 (troponin I3, cardiac type; minus strand). Cytogenetic location: 19q13.42.
Variant type: Microsatellite.
Coding change: c.67TCC[1] on transcript NM_000363.5 (MANE Select); one copy of the 3-base unit TCC starting at c.67; the reference has two copies in a row; one copy, 3 bases deleted.
Protein change: p.Ser24del; deletes serine 24.
Molecular consequence: inframe deletion.
Genome position (GRCh38, 1-based): chr19:55,157,086-55,157,088, GGA deleted on the plus strand (TCC on the coding strand, the reverse complement: TNNI3 is on the minus strand); deleting any 3 consecutive bases within chr19:55,157,086-55,157,092 gives the same sequence; the position shown is the placement nearest the transcript's 3' end. VCF-style (leftmost placement, unchanged base first): chr19-55157085-TGGA-T. GRCh37 (hg19) VCF-style: chr19-55668453-TGGA-T.
Other names: short protein forms S24del.
Identifiers: ClinVar variation 918479 (VCV000918479.3), dbSNP rs2085738445, ClinGen allele CA1139666609.